The following is an entry in ClinVar:

ClinVar aggregate classification (germline): Uncertain significance (1 of 4 stars; one submission).

Conditions:
Dilated cardiomyopathy 1Y (CMD1Y). Identifiers: Orphanet 154, Orphanet 54260, MedGen C2678476, MONDO:0012744, OMIM 611878.

Submission:

Centre for Mendelian Genomics, University Medical Centre Ljubljana
Classification: Uncertain significance for Dilated cardiomyopathy 1Y. Last evaluated: 2020-01-27. Review status: criteria provided, single submitter. Criteria: ACMG Guidelines, 2015. Collection method: clinical testing. Allele origin: unknown. Affected: yes.
Comment: This variant was classified as: Uncertain significance. The available evidence favors the pathogenic nature of this variant, however the currently available data is insufficient to conclusively support its pathogenic nature. Thus this variant is classified as Uncertain significance - favor pathogenic. The following ACMG criteria were applied in classifying this variant: PM2,PP3.

NM_001018005.2(TPM1):c.391G>C (p.Glu131Gln)

Gene: TPM1 (tropomyosin 1; plus strand). Cytogenetic location: 15q22.2.
Variant type: single nucleotide variant.
Coding change: c.391G>C on transcript NM_001018005.2 (MANE Select); coding-DNA position 391, G replaced by C.
Protein change: p.Glu131Gln; replaces glutamic acid 131 with glutamine.
Molecular consequence: missense variant.
Genome position (GRCh38, 1-based): chr15:63,059,579, G>C. VCF-style: chr15-63059579-G-C. GRCh37 (hg19) VCF-style: chr15-63351778-G-C.
Other names: c.391G>C, p.Glu131Gln (NM_000366.6, NM_001018004.2, NM_001018006.2 and 6 more transcripts); c.283G>C, p.Glu95Gln (NM_001018008.2, NM_001301289.2, NM_001330344.2 and 5 more transcripts); c.517G>C, p.Glu173Gln (NM_001365778.1); short protein forms E95Q, E131Q, E173Q.
Identifiers: ClinVar variation 930858 (VCV000930858.3), dbSNP rs2035303241, ClinGen allele CA392722002.